The following is an entry in ClinVar:

ClinVar aggregate classification (germline): Uncertain significance. Review status: criteria provided, multiple submitters, no conflicts (2 of 4 stars). 2 submissions from 2 submitters: Uncertain significance (2). Last evaluated 2025-08-29.

Conditions:
Pulmonary fibrosis and/or bone marrow failure, Telomere-related, 3. Also called: PULMONARY FIBROSIS AND/OR BONE MARROW FAILURE SYNDROME, TELOMERE-RELATED, 3. Identifiers: Orphanet 2032, MedGen C4225346, MONDO:0014613, OMIM 616373.
Dyskeratosis congenita, autosomal recessive 5 (DKCB5). Identifiers: MedGen C3554656, MONDO:0014076, OMIM 615190.
Inborn genetic diseases. Identifiers: MedGen C0950123, MeSH D030342.

Allele frequency attached by ClinVar (database versions not stated): gnomAD exomes below 0.00001.
gnomAD v4.1: 1 of 1,602,746 alleles (0.000062%); highest among the groups gnomAD compares: Non-Finnish European, 0.000085%; no homozygotes.

Submissions (2):

Ambry Genetics
Classification: Uncertain significance for Inborn genetic diseases. Last evaluated: 2025-08-29. Review status: criteria provided, single submitter. Criteria: Ambry Variant Classification Scheme 2023. Collection method: clinical testing. Allele origin: germline.
Comment: The p.S806L variant (also known as c.2417C>T), located in coding exon 26 of the RTEL1 gene, results from a C to T substitution at nucleotide position 2417. The serine at codon 806 is replaced by leucine, an amino acid with dissimilar properties. This amino acid position is conserved. In addition, this alteration is predicted to be tolerated by in silico analysis. Based on the available evidence, the clinical significance of this variant remains unclear.

Labcorp Genetics (formerly Invitae), Labcorp
Classification: Uncertain significance for Dyskeratosis congenita, autosomal recessive 5; Pulmonary fibrosis and/or bone marrow failure, Telomere-related, 3. Last evaluated: 2022-03-10. Review status: criteria provided, single submitter. Criteria: Invitae Variant Classification Sherloc (09022015). Collection method: clinical testing. Allele origin: germline.
Comment: This variant has not been reported in the literature in individuals affected with RTEL1-related conditions. This variant is not present in population databases (gnomAD no frequency). This sequence change replaces serine, which is neutral and polar, with leucine, which is neutral and non-polar, at codon 806 of the RTEL1 protein (p.Ser806Leu). Algorithms developed to predict the effect of missense changes on protein structure and function output the following: SIFT: "Tolerated"; PolyPhen-2: "Benign"; Align-GVGD: "Class C0". The leucine amino acid residue is found in multiple mammalian species, which suggests that this missense change does not adversely affect protein function. In summary, the available evidence is currently insufficient to determine the role of this variant in disease. Therefore, it has been classified as a Variant of Uncertain Significance.

NM_001283009.2(RTEL1):c.2417C>T (p.Ser806Leu)

Genes: RTEL1 (regulator of telomere elongation helicase 1; plus strand), RTEL1-TNFRSF6B (RTEL1-TNFRSF6B readthrough (NMD candidate); plus strand). Cytogenetic location: 20q13.33.
Variant type: single nucleotide variant.
Coding change: c.2417C>T on transcript NM_001283009.2 (MANE Select); coding-DNA position 2417, C replaced by T.
Protein change: p.Ser806Leu; replaces serine 806 with leucine.
Molecular consequence: missense variant. On other transcripts: non-coding transcript variant (1).
Genome position (GRCh38, 1-based): chr20:63,690,808, C>T. VCF-style: chr20-63690808-C-T. GRCh37 (hg19) VCF-style: chr20-62322161-C-T.
Other names: c.1748C>T, p.Ser583Leu (NM_001283010.1); c.2417C>T, p.Ser806Leu (NM_016434.4); c.2489C>T, p.Ser830Leu (NM_032957.5); short protein forms S830L, S583L, S806L.
Identifiers: ClinVar variation 2184580 (VCV002184580.5), dbSNP rs2517147245, ClinGen allele CA409681357.
Genomic context (GRCh38, chr20:63,690,808, plus strand): 5'-AGGGACCCCAGCTGGGGCCCCCCGTGGGCTTCACTGCGCACTCGGGTGCCCCTGCAGGGT[C>T]ACCAGCTGCCGGGGACCCCGAGAGTAGCCTGTGTGTGGAGTATGAGCAGGAGCCAGTTCC-3'
Protein context (NP_001269938.1, residues 796-816): VPSLKQRSSG[Ser806Leu]PAAGDPESSL